The following is an entry in ClinVar:

ClinVar aggregate classification (germline): Uncertain significance (0 of 4 stars; one submission).

Conditions:
WDFY3-related disorder.

Allele frequency attached by ClinVar (database versions not stated): TOPMed below 0.00001; gnomAD 0.00001.

Submission:

PreventionGenetics, part of Exact Sciences
Classification: Uncertain significance for WDFY3-related condition. Last evaluated: 2023-12-27. Review status: no assertion criteria provided. Collection method: clinical testing. Allele origin: germline.
Comment: The WDFY3 c.317G>A variant is predicted to result in the amino acid substitution p.Arg106Gln. To our knowledge, this variant has not been reported in the literature or in the gnomAD v2.1.1 dataset. However, it has been reported in the heterozygous state in ~0.01% of individuals of European (non-Finnish) descent in the gnomAD v4.0 dataset, which may be too common to be an undocumented primary case of disease. Although we suspect that this variant may be benign, at this time, the clinical significance of this variant is uncertain due to the absence of conclusive functional and genetic evidence.

NM_014991.6(WDFY3):c.317G>A (p.Arg106Gln)

Gene: WDFY3 (WD repeat and FYVE domain containing 3; minus strand). Cytogenetic location: 4q21.23.
Variant type: single nucleotide variant.
Coding change: c.317G>A on transcript NM_014991.6 (MANE Select); coding-DNA position 317, G replaced by A.
Protein change: p.Arg106Gln; replaces arginine 106 with glutamine.
Molecular consequence: missense variant.
Genome position (GRCh38, 1-based): chr4:84,841,251, C>T on the plus strand (G>A on the coding strand, the complement: WDFY3 is on the minus strand). VCF-style: chr4-84841251-C-T. GRCh37 (hg19) VCF-style: chr4-85762404-C-T.
Other names: short protein forms R106Q.
Identifiers: ClinVar variation 3033108 (VCV003033108.2), dbSNP rs1361479730, ClinGen allele CA357548002.